The following is an entry in ClinVar:

ClinVar aggregate classification (germline): Uncertain significance (1 of 4 stars; one submission).

Conditions:
Leukocyte adhesion deficiency 3. Also called: INTEGRIN ACTIVATION DEFICIENCY DISEASE; LEUKOCYTE ADHESION DEFICIENCY 1 VARIANT; Leukocyte adhesion deficiency, type III. Identifiers: Orphanet 2968, Orphanet 99844, MedGen C2748536, MONDO:0013016, OMIM 612840.

Submission:

Labcorp Genetics (formerly Invitae), Labcorp
Classification: Uncertain significance for Leukocyte adhesion deficiency 3. Last evaluated: 2020-11-20. Review status: criteria provided, single submitter. Criteria: Invitae Variant Classification Sherloc (09022015). Collection method: clinical testing. Allele origin: germline.
Comment: This sequence change replaces glycine with aspartic acid at codon 240 of the FERMT3 protein (p.Gly240Asp). The glycine residue is highly conserved and there is a moderate physicochemical difference between glycine and aspartic acid. This variant is not present in population databases (ExAC no frequency). This variant has not been reported in the literature in individuals with FERMT3-related conditions. Algorithms developed to predict the effect of missense changes on protein structure and function output the following: SIFT: "Deleterious"; PolyPhen-2: "Benign"; Align-GVGD: "Class C0". The aspartic acid amino acid residue is found in multiple mammalian species, suggesting that this missense change does not adversely affect protein function. These predictions have not been confirmed by published functional studies and their clinical significance is uncertain. In summary, the available evidence is currently insufficient to determine the role of this variant in disease. Therefore, it has been classified as a Variant of Uncertain Significance.

NM_031471.6(FERMT3):c.719G>A (p.Gly240Asp)

Gene: FERMT3 (FERM domain containing kindlin 3; plus strand). Cytogenetic location: 11q13.1.
Variant type: single nucleotide variant.
Coding change: c.719G>A on transcript NM_031471.6 (MANE Select); coding-DNA position 719, G replaced by A.
Protein change: p.Gly240Asp; replaces glycine 240 with aspartic acid.
Molecular consequence: missense variant.
Genome position (GRCh38, 1-based): chr11:64,211,680, G>A. VCF-style: chr11-64211680-G-A. GRCh37 (hg19) VCF-style: chr11-63979152-G-A.
Other names: c.719G>A, p.Gly240Asp (NM_001382361.1, NM_001382362.1, NM_001382448.1 and 1 more transcripts); c.179G>A, p.Gly60Asp (NM_001382363.1, NM_001382364.1); short protein forms G60D, G240D.
Identifiers: ClinVar variation 1513518 (VCV001513518.8), dbSNP rs2134847767, ClinGen allele CA381083144.
Genomic context (GRCh38, chr11:64,211,680, plus strand): 5'-GACTGCTGCTTCTGCCGCGGCCCAGGTGGCTGGACTCGTCGCGGTGTCTCATGCAGCAGG[G>A]CATCAAGGCCGGGGACGCACTCTGGCTGCGCTTCAAGTACTACAGCTTCTTCGATTTGGA-3'
Protein context (NP_113659.3, residues 230-250): LDSSRCLMQQ[Gly240Asp]IKAGDALWLR